The following is an entry in ClinVar:

ClinVar aggregate classification (germline): Uncertain significance. Review status: criteria provided, multiple submitters, no conflicts (2 of 4 stars). 2 submissions from 2 submitters: Uncertain significance (2). Last evaluated 2024-08-17.

Conditions:
Hereditary pancreatitis (PCTT). Also called: Hereditary chronic pancreatitis; PRSS1-Related Hereditary Pancreatitis. Identifiers: Orphanet 676, MedGen C0238339, MONDO:0008185, OMIM 167800.

Submissions (2):

Labcorp Genetics (formerly Invitae), Labcorp
Classification: Uncertain significance. Last evaluated: 2024-08-17. Review status: criteria provided, single submitter. Criteria: Invitae Variant Classification Sherloc (09022015). Collection method: clinical testing. Allele origin: germline.
Comment: This sequence change replaces serine, which is neutral and polar, with threonine, which is neutral and polar, at codon 394 of the CPA1 protein (p.Ser394Thr). This variant is not present in population databases (gnomAD no frequency). This variant has not been reported in the literature in individuals affected with CPA1-related conditions. Invitae Evidence Modeling of protein sequence and biophysical properties (such as structural, functional, and spatial information, amino acid conservation, physicochemical variation, residue mobility, and thermodynamic stability) indicates that this missense variant is not expected to disrupt CPA1 protein function with a negative predictive value of 80%. In summary, the available evidence is currently insufficient to determine the role of this variant in disease. Therefore, it has been classified as a Variant of Uncertain Significance.

Ambry Genetics
Classification: Uncertain significance for Hereditary pancreatitis. Last evaluated: 2023-12-18. Review status: criteria provided, single submitter. Criteria: Ambry Variant Classification Scheme 2023. Collection method: clinical testing. Allele origin: germline.

NM_001868.4(CPA1):c.1180T>A (p.Ser394Thr)

Gene: CPA1 (carboxypeptidase A1; plus strand). Cytogenetic location: 7q32.2.
Variant type: single nucleotide variant.
Coding change: c.1180T>A on transcript NM_001868.4 (MANE Select); coding-DNA position 1180, T replaced by A.
Protein change: p.Ser394Thr; replaces serine 394 with threonine.
Molecular consequence: missense variant.
Genome position (GRCh38, 1-based): chr7:130,387,931, T>A. VCF-style: chr7-130387931-T-A. GRCh37 (hg19) VCF-style: chr7-130027772-T-A.
Other names: short protein forms S394T.
Identifiers: ClinVar variation 3076504 (VCV003076504.3), dbSNP rs1796501413, ClinGen allele CA369284424.
Genomic context (GRCh38, chr7:130,387,931, plus strand): 5'-AAGTACTCCTTCACCTTCGAGCTCCGGGACACTGGGCGCTATGGCTTCCTGCTGCCAGCC[T>A]CCCAGATCATCCCCACAGCCAAGGAGACGTGGCTGGCGCTTCTGACCATCATGGAGCACA-3'
Protein context (NP_001859.1, residues 384-404): TGRYGFLLPA[Ser394Thr]QIIPTAKETW